The following is an entry in ClinVar:

NM_022081.6(HPS4):c.1618A>G (p.Arg540Gly)

Gene: HPS4 (HPS4 biogenesis of lysosomal organelles complex 3 subunit 2; minus strand). Cytogenetic location: 22q12.1.
Variant type: single nucleotide variant.
Coding change: c.1618A>G on transcript NM_022081.6 (MANE Select); coding-DNA position 1618, A replaced by G.
Protein change: p.Arg540Gly; replaces arginine 540 with glycine.
Molecular consequence: missense variant. On other transcripts: non-coding transcript variant (8).
Genome position (GRCh38, 1-based): chr22:26,464,012, T>C on the plus strand (A>G on the coding strand, the complement: HPS4 is on the minus strand). VCF-style: chr22-26464012-T-C. GRCh37 (hg19) VCF-style: chr22-26859978-T-C.
Other names: c.1618A>G, p.Arg540Gly (NM_001349896.1, NM_001349898.2, NM_001349899.2 and 5 more transcripts); c.1672A>G, p.Arg558Gly (NM_001349900.2, NM_001349901.1); c.1603A>G, p.Arg535Gly (NM_152841.2); short protein forms R558G, R535G, R540G.
Identifiers: ClinVar variation 3651725 (VCV003651725.2).

ClinVar aggregate classification (germline): Uncertain significance (1 of 4 stars; one submission).

Submission:

Labcorp Genetics (formerly Invitae), Labcorp
Classification: Uncertain significance. Last evaluated: 2024-04-30. Review status: criteria provided, single submitter. Criteria: Invitae Variant Classification Sherloc (09022015). Collection method: clinical testing. Allele origin: germline.
Comment: This sequence change replaces arginine, which is basic and polar, with glycine, which is neutral and non-polar, at codon 540 of the HPS4 protein (p.Arg540Gly). This variant is not present in population databases (gnomAD no frequency). This variant has not been reported in the literature in individuals affected with HPS4-related conditions. An algorithm developed to predict the effect of missense changes on protein structure and function (PolyPhen-2) suggests that this variant is likely to be tolerated. In summary, the available evidence is currently insufficient to determine the role of this variant in disease. Therefore, it has been classified as a Variant of Uncertain Significance.